The following is an entry in ClinVar:

ClinVar aggregate classification (germline): Uncertain significance (1 of 4 stars; one submission).

Conditions:
Cardiovascular phenotype. Identifiers: MedGen CN230736.

Submission:

Ambry Genetics
Classification: Uncertain significance for Cardiovascular phenotype. Last evaluated: 2014-12-15. Review status: criteria provided, single submitter. Criteria: Ambry Variant Classification Scheme 2023. Collection method: clinical testing. Allele origin: germline.
Comment: The p.I168F variant (also known as c.502A>T), located in coding exon 4 of the ENG gene, results from an A to T substitution at nucleotide position 502. The isoleucine at codon 168 is replaced by phenylalanine, an amino acid with highly similar properties. This variant was not reported in population based cohorts in the following databases: Database of Single Nucleotide Polymorphisms (dbSNP), NHLBI Exome Sequencing Project (ESP), and 1000 Genomes Project. In the ESP, this variant was not observed in 6503 samples (13006 alleles) with coverage at this position. This amino acid position is well conserved in available vertebrate species. In addition, the in silico prediction for this alteration is inconclusive. Since supporting evidence is limited at this time, the clinical significance of this variant remains unclear

NM_001114753.3(ENG):c.502A>T (p.Ile168Phe)

Gene: ENG (endoglin; minus strand). Cytogenetic location: 9q34.11.
Variant type: single nucleotide variant.
Coding change: c.502A>T on transcript NM_001114753.3 (MANE Select); coding-DNA position 502, A replaced by T.
Protein change: p.Ile168Phe; replaces isoleucine 168 with phenylalanine.
Molecular consequence: missense variant. On other transcripts: 5 prime UTR variant (1).
Genome position (GRCh38, 1-based): chr9:127,826,531, T>A on the plus strand (A>T on the coding strand, the complement: ENG is on the minus strand). VCF-style: chr9-127826531-T-A. GRCh37 (hg19) VCF-style: chr9-130588810-T-A.
Other names: c.502A>T, p.Ile168Phe (NM_000118.4, NM_001406715.1); c.-45A>T (NM_001278138.2); short protein forms I168F.
Identifiers: ClinVar variation 1744881 (VCV001744881.2), dbSNP rs2539077655, ClinGen allele CA374984132.